The following is an entry in ClinVar:

NM_002109.6(HARS1):c.771G>C (p.Lys257Asn)

Gene: HARS1 (histidyl-tRNA synthetase 1; minus strand). Cytogenetic location: 5q31.3.
Variant type: single nucleotide variant.
Coding change: c.771G>C on transcript NM_002109.6 (MANE Select); coding-DNA position 771, G replaced by C.
Protein change: p.Lys257Asn; replaces lysine 257 with asparagine.
Molecular consequence: missense variant.
Genome position (GRCh38, 1-based): chr5:140,677,379, C>G on the plus strand (G>C on the coding strand, the complement: HARS1 is on the minus strand). VCF-style: chr5-140677379-C-G. GRCh37 (hg19) VCF-style: chr5-140056964-C-G.
Other names: c.651G>C, p.Lys217Asn (NM_001258040.3); c.711G>C, p.Lys237Asn (NM_001258041.3); c.591G>C, p.Lys197Asn (NM_001258042.3); c.549G>C, p.Lys183Asn (NM_001289092.2); c.429G>C, p.Lys143Asn (NM_001289093.2); c.684G>C, p.Lys228Asn (NM_001289094.2); short protein forms K143N, K183N, K197N, K217N, K228N, K237N, K257N.
Identifiers: ClinVar variation 1698208 (VCV001698208.2), dbSNP rs1758443206, ClinGen allele CA361253962.
Genomic context (GRCh38, chr5:140,677,379, plus strand): 5'-TTCCTCACCATGTTGCTGGACATAGTCCCCAATGCGGTCAGCCACCTCAGGTGCAAGGCC[C>G]TTCTCTCCCACCATCTCATTCTTCACCTCTTCCCAGGACACCTAGGCAGACAGACACCAG-3'
Protein context (NP_002100.2, residues 247-267): EEVKNEMVGE[Lys257Asn]GLAPEVADRI

ClinVar aggregate classification (germline): Uncertain significance (1 of 4 stars; one submission).

gnomAD v4.1: 3 of 1,613,906 alleles (0.00019%); highest among the groups gnomAD compares: South Asian, 0.0011%; no homozygotes.

Submission:

GeneDx
Classification: Uncertain significance. Last evaluated: 2022-01-20. Review status: criteria provided, single submitter. Criteria: GeneDx Variant Classification Process June 2021. Collection method: clinical testing. Allele origin: germline. Affected: yes.
Comment: Not observed at significant frequency in large population cohorts (gnomAD); In silico analysis supports that this missense variant has a deleterious effect on protein structure/function; Has not been previously published as pathogenic or benign to our knowledge